The following is an entry in ClinVar:

ClinVar aggregate classification (germline): Likely pathogenic. Review status: criteria provided, multiple submitters, no conflicts (2 of 4 stars). 2 submissions from 2 submitters: Likely pathogenic (2). Last evaluated 2026-02-26.

Conditions:
TYR-related disorder. Also called: TYR-related condition.

Submissions (2):

PreventionGenetics, part of Exact Sciences
Classification: Likely pathogenic for TYR-related condition. Last evaluated: 2026-02-26. Review status: criteria provided, single submitter. Criteria: ACMG Guidelines, 2015. Collection method: clinical testing. Allele origin: germline.
Comment: The TYR c.642_644delCTT variant is predicted to result in an in-frame deletion (p.Phe214del). This variant was reported in an individual with oculocutaneous albinism (Liu et al. 2010. PubMed ID: 20447099). This variant was also observed to segregate with oculocutaneous albinism in a family tested at another CLIA-certified laboratory (GeneDx). This variant has not been reported in a large population database (gnomAD), indicating this variant is rare. This variant is interpreted as likely pathogenic.

GeneDx
Classification: Likely pathogenic. Last evaluated: 2023-09-22. Review status: criteria provided, single submitter. Criteria: GeneDx Variant Classification Process June 2021. Collection method: clinical testing. Allele origin: germline. Affected: yes.
Comment: Not observed at significant frequency in large population cohorts (gnomAD); In-frame deletion of 1 amino acids in a non-repeat region; In silico analysis supports a deleterious effect on protein structure/function; This variant is associated with the following publications: (PMID: 20447099)

NM_000372.5(TYR):c.639CTT[1] (p.Phe214del)

Gene: TYR (tyrosinase; plus strand). Cytogenetic location: 11q14.3.
Variant type: Microsatellite.
Coding change: c.639CTT[1] on transcript NM_000372.5 (MANE Select); one copy of the 3-base unit CTT starting at c.639; the reference has two copies in a row; one copy, 3 bases deleted.
Protein change: p.Phe214del; deletes phenylalanine 214.
Genome position (GRCh38, 1-based): chr11:89,178,595-89,178,597, CTT deleted; deleting any 3 consecutive bases within chr11:89,178,591-89,178,597 gives the same sequence; the position shown is the placement nearest the transcript's 3' end. VCF-style (leftmost placement, unchanged base first): chr11-89178590-CTCT-C. GRCh37 (hg19) VCF-style: chr11-88911758-CTCT-C.
Other names: c.642_644delCTT (NM_000372.4); short protein forms F214del.
Identifiers: ClinVar variation 3340420 (VCV003340420.2).